The following is an entry in ClinVar:

NM_001035.3(RYR2):c.6730G>A (p.Ala2244Thr)

Gene: RYR2 (ryanodine receptor 2; plus strand). Cytogenetic location: 1q43.
Variant type: single nucleotide variant.
Coding change: c.6730G>A on transcript NM_001035.3 (MANE Select); coding-DNA position 6730, G replaced by A.
Protein change: p.Ala2244Thr; replaces alanine 2244 with threonine.
Molecular consequence: missense variant.
Genome position (GRCh38, 1-based): chr1:237,634,930, G>A. VCF-style: chr1-237634930-G-A. GRCh37 (hg19) VCF-style: chr1-237798230-G-A.
Other names: short protein forms A2244T.
Identifiers: ClinVar variation 1717918 (VCV001717918.6), dbSNP rs1446143098, ClinGen allele CA345394632.

ClinVar aggregate classification (germline): Uncertain significance (1 of 4 stars; one submission).

Conditions:
Catecholaminergic polymorphic ventricular tachycardia 1. Also called: VENTRICULAR TACHYCARDIA, CATECHOLAMINERGIC POLYMORPHIC, 1, WITH OR WITHOUT ATRIAL DYSFUNCTION AND/OR DILATED CARDIOMYOPATHY; VENTRICULAR TACHYCARDIA, STRESS-INDUCED POLYMORPHIC 1; RYR2-Related Catecholaminergic Polymorphic Ventricular Tachycardia. Identifiers: Orphanet 3286, MedGen C1631597, MONDO:0011484, OMIM 604772.

Allele frequency attached by ClinVar (database versions not stated): TOPMed 0.00001.

Submission:

Labcorp Genetics (formerly Invitae), Labcorp
Classification: Uncertain significance for Catecholaminergic polymorphic ventricular tachycardia 1. Last evaluated: 2022-08-24. Review status: criteria provided, single submitter. Criteria: Invitae Variant Classification Sherloc (09022015). Collection method: clinical testing. Allele origin: germline.
Comment: This sequence change replaces alanine, which is neutral and non-polar, with threonine, which is neutral and polar, at codon 2244 of the RYR2 protein (p.Ala2244Thr). This variant is not present in population databases (gnomAD no frequency). This variant has not been reported in the literature in individuals affected with RYR2-related conditions. Advanced modeling of protein sequence and biophysical properties (such as structural, functional, and spatial information, amino acid conservation, physicochemical variation, residue mobility, and thermodynamic stability) performed at Invitae indicates that this missense variant is expected to disrupt RYR2 protein function. In summary, the available evidence is currently insufficient to determine the role of this variant in disease. Therefore, it has been classified as a Variant of Uncertain Significance.